The following is an entry in ClinVar:

NM_001244008.2(KIF1A):c.5148G>A (p.Glu1716=)

Gene: KIF1A (kinesin family member 1A; minus strand). Cytogenetic location: 2q37.3.
Variant type: single nucleotide variant.
Coding change: c.5148G>A on transcript NM_001244008.2 (MANE Select); coding-DNA position 5148, G replaced by A.
Protein change: p.Glu1716=; no amino-acid change (glutamic acid 1716 retained).
Molecular consequence: synonymous variant.
Genome position (GRCh38, 1-based): chr2:240,719,072, C>T on the plus strand (G>A on the coding strand, the complement: KIF1A is on the minus strand). VCF-style: chr2-240719072-C-T. GRCh37 (hg19) VCF-style: chr2-241658489-C-T.
Other names: c.4872G>A, p.Glu1624= (NM_001320705.2, NM_001379649.1); c.4899G>A, p.Glu1633= (NM_001330289.2); c.4947G>A, p.Glu1649= (NM_001330290.2, NM_001379648.1); c.5223G>A, p.Glu1741= (NM_001379631.1); c.5124G>A, p.Glu1708= (NM_001379632.1); c.5121G>A, p.Glu1707= (NM_001379633.1, NM_001379645.1); c.4974G>A, p.Glu1658= (NM_001379634.1); c.4971G>A, p.Glu1657= (NM_001379635.1, NM_001379646.1); and 7 more.
Identifiers: ClinVar variation 2173639 (VCV002173639.4), dbSNP rs1445315403, ClinGen allele CA432008470.

ClinVar aggregate classification (germline): Uncertain significance (1 of 4 stars; one submission).

Conditions:
Hereditary spastic paraplegia 30. Identifiers: Orphanet 101010, MedGen C5235139, MONDO:0012476.
Neuropathy, hereditary sensory, type 2C. Also called: Hereditary sensory and autonomic neuropathy type IIC; KIF1A-Related HSAN2 (HSAN2C). Identifiers: Orphanet 970, MedGen C3280168, MONDO:0013634, OMIM 614213.
Intellectual disability, autosomal dominant 9 (NESCAVS). Also called: NESCAV SYNDROME; KIF1A-Related Neurodevelopmental Disorder. Identifiers: Orphanet 662367, MedGen C5393830, MONDO:0013656, OMIM 614255.

Allele frequency attached by ClinVar (database versions not stated): gnomAD 0.00001; gnomAD exomes 0.00001; TOPMed 0.00002.
gnomAD v4.1: 20 of 1,612,370 alleles (0.0012%); highest among the groups gnomAD compares: Non-Finnish European, 0.0016%; no homozygotes.

Submission:

Labcorp Genetics (formerly Invitae), Labcorp
Classification: Uncertain significance for Hereditary spastic paraplegia 30; Neuropathy, hereditary sensory, type 2C; Intellectual disability, autosomal dominant 9. Last evaluated: 2023-04-17. Review status: criteria provided, single submitter. Criteria: Invitae Variant Classification Sherloc (09022015). Collection method: clinical testing. Allele origin: germline.
Comment: This variant has not been reported in the literature in individuals affected with KIF1A-related conditions. ClinVar contains an entry for this variant (Variation ID: 2173639). Algorithms developed to predict the effect of sequence changes on RNA splicing suggest that this variant may create or strengthen a splice site. In summary, the available evidence is currently insufficient to determine the role of this variant in disease. Therefore, it has been classified as a Variant of Uncertain Significance. This sequence change affects codon 1615 of the KIF1A mRNA. It is a 'silent' change, meaning that it does not change the encoded amino acid sequence of the KIF1A protein. This variant is not present in population databases (gnomAD no frequency).